The following is an entry in ClinVar:

NM_032638.5(GATA2):c.792C>T (p.Leu264=)

Gene: GATA2 (GATA binding protein 2; minus strand). Cytogenetic location: 3q21.3.
Variant type: single nucleotide variant.
Coding change: c.792C>T on transcript NM_032638.5 (MANE Select); coding-DNA position 792, C replaced by T.
Protein change: p.Leu264=; no amino-acid change (leucine 264 retained).
Molecular consequence: synonymous variant.
Genome position (GRCh38, 1-based): chr3:128,485,806, G>A on the plus strand (C>T on the coding strand, the complement: GATA2 is on the minus strand). VCF-style: chr3-128485806-G-A. GRCh37 (hg19) VCF-style: chr3-128204649-G-A.
Other names: c.792C>T, p.Leu264= (NM_001145661.2, NM_001145662.1).
Identifiers: ClinVar variation 412758 (VCV000412758.16), dbSNP rs1060503831, ClinGen allele CA16611356.

ClinVar aggregate classification (germline): Conflicting classifications of pathogenicity. Review status: criteria provided, conflicting classifications (1 of 4 stars). 3 submissions from 3 submitters: Uncertain significance (1); Likely benign (2). Last evaluated 2025-11-17.

Conditions:
Deafness-lymphedema-leukemia syndrome. Also called: Lymphedema, primary, with myelodysplasia; Emberger syndrome. Identifiers: Orphanet 3226, MedGen C3279664, MONDO:0013540, OMIM 614038.
Monocytopenia with susceptibility to infections. Also called: MONOCYTOPENIA AND MYCOBACTERIAL INFECTION SYNDROME; MONOCYTOPENIA WITH SUSCEPTIBILITY TO MYCOBACTERIAL, FUNGAL, AND PAPILLOMAVIRUS INFECTIONS AND MYELODYSPLASIA; COMBINED IMMUNODEFICIENCY WITH SUSCEPTIBILITY TO MYCOBACTERIAL, VIRAL, AND FUNGAL INFECTIONS; Dendritic cell, monocyte, B lymphocyte, and natural killer lymphocyte deficiency; IMMUNODEFICIENCY 21; GATA2 DEFICIENCY. Identifiers: Orphanet 228423, MedGen C3280030, MONDO:0013607, OMIM 614172.
Inborn genetic diseases. Identifiers: MedGen C0950123, MeSH D030342.

Allele frequency attached by ClinVar (database versions not stated): gnomAD exomes below 0.00001; TOPMed below 0.00001.
gnomAD v4.1: 3 of 1,614,038 alleles (0.00019%); highest among the groups gnomAD compares: Non-Finnish European, 0.00025%; no homozygotes.

Submissions (3):

Labcorp Genetics (formerly Invitae), Labcorp
Classification: Likely benign for Monocytopenia with susceptibility to infections; Deafness-lymphedema-leukemia syndrome. Last evaluated: 2025-11-17. Review status: criteria provided, single submitter. Criteria: Invitae Variant Classification Sherloc (09022015). Collection method: clinical testing. Allele origin: germline.

GeneDx
Classification: Uncertain significance. Last evaluated: 2025-07-24. Review status: criteria provided, single submitter. Criteria: GeneDx Variant Classification Process June 2021. Collection method: clinical testing. Allele origin: germline.
Comment: Not observed at significant frequency in large population cohorts (gnomAD); In silico analysis suggests that this variant does not alter splicing; Has not been previously published as pathogenic or benign to our knowledge

Ambry Genetics
Classification: Likely benign for Inborn genetic diseases. Last evaluated: 2024-11-23. Review status: criteria provided, single submitter. Criteria: Ambry Variant Classification Scheme 2023. Collection method: clinical testing. Allele origin: germline.